The following is an entry in ClinVar:

NM_018896.5(CACNA1G):c.4781A>G (p.Tyr1594Cys)

Gene: CACNA1G (calcium voltage-gated channel subunit alpha1 G; plus strand). Cytogenetic location: 17q21.33.
Variant type: single nucleotide variant.
Coding change: c.4781A>G on transcript NM_018896.5 (MANE Select); coding-DNA position 4781, A replaced by G.
Protein change: p.Tyr1594Cys; replaces tyrosine 1594 with cysteine.
Molecular consequence: missense variant. On other transcripts: non-coding transcript variant (5).
Genome position (GRCh38, 1-based): chr17:50,615,382, A>G. VCF-style: chr17-50615382-A-G. GRCh37 (hg19) VCF-style: chr17-48692743-A-G.
Other names: c.4727A>G, p.Tyr1576Cys (NM_001256324.2, NM_001256328.2, NM_198386.3); c.4802A>G, p.Tyr1601Cys (NM_001256325.2); c.4646A>G, p.Tyr1549Cys (NM_001256326.2, NM_001256330.2); c.4781A>G, p.Tyr1594Cys (NM_001256327.2, NM_001256333.2, NM_198384.3 and 1 more transcripts); c.4679A>G, p.Tyr1560Cys (NM_001256329.2, NM_198376.3, NM_198379.3 and 2 more transcripts); c.4625A>G, p.Tyr1542Cys (NM_001256331.2); c.4610A>G, p.Tyr1537Cys (NM_001256332.2); c.4748A>G, p.Tyr1583Cys (NM_001256334.2, NM_198377.3, NM_198378.3 and 1 more transcripts); and 5 more; short protein forms Y1537C, Y1542C, Y1549C, Y1553C, Y1556C, Y1558C, Y1560C, Y1567C.
Identifiers: ClinVar variation 4539019 (VCV004539019.1).

ClinVar aggregate classification (germline): Uncertain significance (1 of 4 stars; one submission).

Conditions:
Spinocerebellar ataxia type 42. Identifiers: Orphanet 458803, MedGen C4225205, MONDO:0014776, OMIM 616795.

Submission:

Clinical Genetics Laboratory, Skane University Hospital Lund
Classification: Uncertain significance for Spinocerebellar ataxia type 42. Last evaluated: 2025-12-29. Review status: criteria provided, single submitter. Criteria: ACMG Guidelines, 2015. Collection method: clinical testing. Allele origin: germline. Affected: yes.
Comment: ACMG criteria used: PM2, PP3.